The following is an entry in ClinVar:

ClinVar aggregate classification (germline): Benign/Likely benign. Review status: criteria provided, multiple submitters, no conflicts (2 of 4 stars). 3 submissions from 3 submitters: Benign (2); Likely benign (1). Last evaluated 2026-01-28.

Allele frequency attached by ClinVar (database versions not stated): gnomAD exomes 0.00028; ExAC 0.00047; 1000 Genomes Project 0.00060; 1000 Genomes Project 30x 0.00094; gnomAD 0.00102 and 0.00113; TOPMed 0.00138; ESP Exome Variant Server 0.00209.
gnomAD v4.1: 314 of 1,608,276 alleles (0.02%); highest among the groups gnomAD compares: African/African-American, 0.38%; no homozygotes.

Submissions (3):

Labcorp Genetics (formerly Invitae), Labcorp
Classification: Benign. Last evaluated: 2026-01-28. Review status: criteria provided, single submitter. Criteria: Invitae Variant Classification Sherloc (09022015). Collection method: clinical testing. Allele origin: germline.

Blueprint Genetics
Classification: Likely benign. Last evaluated: 2024-10-22. Review status: criteria provided, single submitter. Criteria: ACMG Guidelines, 2015. Collection method: clinical testing. Allele origin: germline.

Laboratory for Molecular Medicine, Mass General Brigham Personalized Medicine
Classification: Benign. Last evaluated: 2012-04-30. Review status: criteria provided, single submitter. Criteria: LMM Criteria. Collection method: clinical testing. Allele origin: germline. Observed: 1 variant allele.
Comment: 2587-14C>T in Intron 21 of MYO7A: This variant is not expected to have clinical significance because it has been identified in 0.7% (24/3392) of African America n chromosomes from a broad population by the NHLBI Exome Sequencing Project.

NM_000260.4(MYO7A):c.2587-14C>T

Gene: MYO7A (myosin VIIA; plus strand). Cytogenetic location: 11q13.5.
Variant type: single nucleotide variant.
Coding change: c.2587-14C>T on transcript NM_000260.4 (MANE Select); 14 bases into the intron before coding-DNA position 2587, C replaced by T.
Molecular consequence: intron variant.
Genome position (GRCh38, 1-based): chr11:77,180,360, C>T. VCF-style: chr11-77180360-C-T. GRCh37 (hg19) VCF-style: chr11-76891406-C-T.
Other names: c.2554-14C>T (NM_001369365.1); c.2587-14C>T (NM_001127180.2).
Identifiers: ClinVar variation 178482 (VCV000178482.14), dbSNP rs180774455, ClinGen allele CA182415.